The following is an entry in ClinVar:

NM_004304.5(ALK):c.320G>T (p.Gly107Val)

Gene: ALK (ALK receptor tyrosine kinase; minus strand). Cytogenetic location: 2p23.1.
Variant type: single nucleotide variant.
Coding change: c.320G>T on transcript NM_004304.5 (MANE Select); coding-DNA position 320, G replaced by T.
Protein change: p.Gly107Val; replaces glycine 107 with valine.
Molecular consequence: missense variant.
Genome position (GRCh38, 1-based): chr2:29,920,340, C>A on the plus strand (G>T on the coding strand, the complement: ALK is on the minus strand). VCF-style: chr2-29920340-C-A. GRCh37 (hg19) VCF-style: chr2-30143206-C-A.
Other names: short protein forms G107V.
Identifiers: ClinVar variation 470821 (VCV000470821.10), dbSNP rs762635291, ClinGen allele CA1595003.

ClinVar aggregate classification (germline): Uncertain significance. Review status: criteria provided, multiple submitters, no conflicts (2 of 4 stars). 2 submissions from 2 submitters: Uncertain significance (2). Last evaluated 2024-11-25.

Conditions:
Hereditary cancer-predisposing syndrome. Also called: Hereditary neoplastic syndrome; Neoplastic Syndromes, Hereditary; Tumor predisposition; Hereditary Cancer Syndrome. Identifiers: Orphanet 140162, MedGen C0027672, MeSH D009386, MONDO:0015356.
Neuroblastoma, susceptibility to, 3. Also called: ALK-Related Neuroblastic Tumor Susceptibility. Identifiers: Orphanet 635, MedGen C2751681, MONDO:0013083, OMIM 613014.

Allele frequency attached by ClinVar (database versions not stated): gnomAD 0.00001; TOPMed 0.00001; ExAC 0.00007.
gnomAD v4.1: 1 of 1,551,446 alleles (0.000064%); highest among the groups gnomAD compares: African/African-American, 0.0014%; no homozygotes.

Submissions (2):

Labcorp Genetics (formerly Invitae), Labcorp
Classification: Uncertain significance for Neuroblastoma, susceptibility to, 3. Last evaluated: 2024-11-25. Review status: criteria provided, single submitter. Criteria: Invitae Variant Classification Sherloc (09022015). Collection method: clinical testing. Allele origin: germline.
Comment: This sequence change replaces glycine, which is neutral and non-polar, with valine, which is neutral and non-polar, at codon 107 of the ALK protein (p.Gly107Val). This variant is present in population databases (rs762635291, gnomAD 0.01%). This variant has not been reported in the literature in individuals affected with ALK-related conditions. ClinVar contains an entry for this variant (Variation ID: 470821). An algorithm developed to predict the effect of missense changes on protein structure and function (PolyPhen-2) suggests that this variant is likely to be tolerated. In summary, the available evidence is currently insufficient to determine the role of this variant in disease. Therefore, it has been classified as a Variant of Uncertain Significance.

Ambry Genetics
Classification: Uncertain significance for Hereditary cancer-predisposing syndrome. Last evaluated: 2024-06-11. Review status: criteria provided, single submitter. Criteria: Ambry Variant Classification Scheme 2023. Collection method: clinical testing. Allele origin: germline.
Comment: The p.G107V variant (also known as c.320G>T), located in coding exon 1 of the ALK gene, results from a G to T substitution at nucleotide position 320. The glycine at codon 107 is replaced by valine, an amino acid with dissimilar properties. This amino acid position is conserved. In addition, the in silico prediction for this alteration is inconclusive. Since supporting evidence is limited at this time, the clinical significance of this alteration remains unclear.